The following is an entry in ClinVar:

ClinVar aggregate classification (germline): Uncertain significance. Review status: criteria provided, multiple submitters, no conflicts (2 of 4 stars). 2 submissions from 2 submitters: Uncertain significance (2). Last evaluated 2025-12-22.

Conditions:
Primary dilated cardiomyopathy (DCM). Also called: Dilated Cardiomyopathy. Identifiers: Orphanet 217604, MedGen C0007193, MeSH D002311, MONDO:0005021, HP:0001644. Inheritance: Various modes of inheritance.

Allele frequency attached by ClinVar (database versions not stated): gnomAD 0.00004; TOPMed 0.00006; gnomAD exomes 0.00008; ExAC 0.00012.
gnomAD v4.1: 57 of 1,613,824 alleles (0.0035%); highest among the groups gnomAD compares: South Asian, 0.032%; no homozygotes.

Submissions (2):

Labcorp Genetics (formerly Invitae), Labcorp
Classification: Uncertain significance for Primary dilated cardiomyopathy. Last evaluated: 2025-12-22. Review status: criteria provided, single submitter. Criteria: Invitae Variant Classification Sherloc (09022015). Collection method: clinical testing. Allele origin: germline.
Comment: This sequence change replaces proline, which is neutral and non-polar, with leucine, which is neutral and non-polar, at codon 671 of the NEBL protein (p.Pro671Leu). This variant is present in population databases (rs770107953, gnomAD 0.03%). This variant has not been reported in the literature in individuals affected with NEBL-related conditions. ClinVar contains an entry for this variant (Variation ID: 412262). An algorithm developed to predict the effect of missense changes on protein structure and function (PolyPhen-2) suggests that this variant is likely to be disruptive. In summary, the available evidence is currently insufficient to determine the role of this variant in disease. Therefore, it has been classified as a Variant of Uncertain Significance.

Ambry Genetics
Classification: Uncertain significance. Last evaluated: 2024-08-31. Review status: criteria provided, single submitter. Criteria: Ambry Variant Classification Scheme 2023. Collection method: clinical testing. Allele origin: germline.
Comment: The p.P671L variant (also known as c.2012C>T), located in coding exon 20 of the NEBL gene, results from a C to T substitution at nucleotide position 2012. The proline at codon 671 is replaced by leucine, an amino acid with similar properties. This amino acid position is conserved. In addition, this alteration is predicted to be deleterious by in silico analysis. Since supporting evidence is limited at this time, the clinical significance of this alteration remains unclear.

NM_006393.3(NEBL):c.2012C>T (p.Pro671Leu)

Gene: NEBL (nebulette; minus strand). Cytogenetic location: 10p12.31.
Variant type: single nucleotide variant.
Coding change: c.2012C>T on transcript NM_006393.3 (MANE Select); coding-DNA position 2012, C replaced by T.
Protein change: p.Pro671Leu; replaces proline 671 with leucine.
Molecular consequence: missense variant. On other transcripts: intron variant (9).
Genome position (GRCh38, 1-based): chr10:20,819,467, G>A on the plus strand (C>T on the coding strand, the complement: NEBL is on the minus strand). VCF-style: chr10-20819467-G-A. GRCh37 (hg19) VCF-style: chr10-21108396-G-A.
Other names: c.250-6527C>T (NM_001377326.1, NM_001377327.1, NM_001377328.1); c.358-6527C>T (NM_213569.2, NM_001173484.2, NM_001377322.1); c.301-6527C>T (NM_001377324.1); c.292-6527C>T (NM_001377325.1); c.310-6527C>T (NM_001377323.1); short protein forms P671L.
Identifiers: ClinVar variation 412262 (VCV000412262.12), dbSNP rs770107953, ClinGen allele CA5432650.